The following is an entry in ClinVar:

ClinVar aggregate classification (germline): Pathogenic (1 of 4 stars; one submission).

Submission:

CeGaT Center for Human Genetics Tuebingen
Classification: Pathogenic. Last evaluated: 2024-05-01. Review status: criteria provided, single submitter. Criteria: CeGaT Center For Human Genetics Tuebingen Variant Classification Criteria Version 2. Collection method: clinical testing. Allele origin: germline. Affected: yes. Observed: 1 variant allele.
Comment: WAS: PVS1, PM2, PP4, PS4:Supporting

NM_000377.3(WAS):c.741dup (p.Ser248fs)

Gene: WAS (WASP actin nucleation promoting factor; plus strand). Cytogenetic location: Xp11.23.
Variant type: Duplication.
Coding change: c.741dup on transcript NM_000377.3 (MANE Select); coding-DNA position 741, one base duplicated (C; older notation c.741dupC).
Protein change: p.Ser248fs; shifts the reading frame from serine 248.
Molecular consequence: frameshift variant.
Genome position (GRCh38, 1-based): chrX:48,688,060, C duplicated. VCF-style (leftmost placement, unchanged base first): chrX-48688059-T-TC. GRCh37 (hg19) VCF-style: chrX-48546448-T-TC.
Other names: short protein forms S248fs.
Identifiers: ClinVar variation 3239615 (VCV003239615.19), dbSNP rs2519285150.